The following is an entry in ClinVar:

ClinVar aggregate classification (germline): Uncertain significance. Review status: criteria provided, multiple submitters, no conflicts (2 of 4 stars). 2 submissions from 2 submitters: Uncertain significance (2). Last evaluated 2026-01-20.

Conditions:
Hereditary cancer-predisposing syndrome. Also called: Tumor predisposition; Neoplastic Syndromes, Hereditary; Hereditary Cancer Syndrome; Hereditary neoplastic syndrome. Identifiers: Orphanet 140162, MedGen C0027672, MeSH D009386, MONDO:0015356.
Retinoblastoma (RB1). Also called: RETINOBLASTOMA, SOMATIC. Identifiers: Orphanet 790, MedGen C0035335, MeSH D012175, MONDO:0008380, OMIM 180200, HP:0009919. Disease mechanism: loss of function. Inheritance: Both sporadic and heritable forms are tested..

Submissions (2):

Ambry Genetics
Classification: Uncertain significance for Hereditary cancer-predisposing syndrome. Last evaluated: 2026-01-20. Review status: criteria provided, single submitter. Criteria: Ambry Variant Classification Scheme 2023. Collection method: clinical testing. Allele origin: germline.
Comment: The p.E280D variant (also known as c.840A>T), located in coding exon 8 of the RB1 gene, results from an A to T substitution at nucleotide position 840. The glutamic acid at codon 280 is replaced by aspartic acid, an amino acid with highly similar properties. This amino acid position is conserved. In addition, the in silico prediction for this alteration is inconclusive. Based on the available evidence, the clinical significance of this variant remains unclear.

Labcorp Genetics (formerly Invitae), Labcorp
Classification: Uncertain significance for Retinoblastoma. Last evaluated: 2023-01-12. Review status: criteria provided, single submitter. Criteria: Invitae Variant Classification Sherloc (09022015). Collection method: clinical testing. Allele origin: germline.
Comment: This sequence change replaces glutamic acid, which is acidic and polar, with aspartic acid, which is acidic and polar, at codon 280 of the RB1 protein (p.Glu280Asp). This variant is not present in population databases (gnomAD no frequency). This variant has not been reported in the literature in individuals affected with RB1-related conditions. In summary, the available evidence is currently insufficient to determine the role of this variant in disease. Therefore, it has been classified as a Variant of Uncertain Significance. Advanced modeling of protein sequence and biophysical properties (such as structural, functional, and spatial information, amino acid conservation, physicochemical variation, residue mobility, and thermodynamic stability) performed at Invitae indicates that this missense variant is not expected to disrupt RB1 protein function.

NM_000321.3(RB1):c.840A>T (p.Glu280Asp)

Gene: RB1 (RB transcriptional corepressor 1; plus strand). Cytogenetic location: 13q14.2.
Variant type: single nucleotide variant.
Coding change: c.840A>T on transcript NM_000321.3 (MANE Select); coding-DNA position 840, A replaced by T.
Protein change: p.Glu280Asp; replaces glutamic acid 280 with aspartic acid.
Molecular consequence: missense variant.
Genome position (GRCh38, 1-based): chr13:48,362,936, A>T. VCF-style: chr13-48362936-A-T. GRCh37 (hg19) VCF-style: chr13-48937072-A-T.
Other names: c.840A>T, p.Glu280Asp (NM_001407165.1, NM_001407166.1); short protein forms E280D.
Identifiers: ClinVar variation 2968118 (VCV002968118.4), dbSNP rs762092062, ClinGen allele CA388159642.